The following is an entry in ClinVar:

NM_001009944.3(PKD1):c.5589C>T (p.Ser1863=)

Gene: PKD1 (polycystin 1, transient receptor potential channel interacting; minus strand). Cytogenetic location: 16p13.3.
Variant type: single nucleotide variant.
Coding change: c.5589C>T on transcript NM_001009944.3 (MANE Select); coding-DNA position 5589, C replaced by T.
Protein change: p.Ser1863=; no amino-acid change (serine 1863 retained).
Molecular consequence: synonymous variant.
Genome position (GRCh38, 1-based): chr16:2,109,578, G>A on the plus strand (C>T on the coding strand, the complement: PKD1 is on the minus strand). VCF-style: chr16-2109578-G-A. GRCh37 (hg19) VCF-style: chr16-2159579-G-A.
Other names: c.5589C>T, p.Ser1863= (NM_000296.4).
Identifiers: ClinVar variation 433967 (VCV000433967.3), dbSNP rs775686229, ClinGen allele CA7831931.

ClinVar aggregate classification (germline): Likely benign (0 of 4 stars; one submission).

Conditions:
Polycystic kidney disease. Also called: Kidney, Polycystic; Polycystic kidney dysplasia. Identifiers: MedGen C0022680, MeSH D007690, MONDO:0020642, HP:0000113.

Allele frequency attached by ClinVar (database versions not stated): TOPMed below 0.00001; gnomAD exomes 0.00001 and 0.00004; ExAC 0.00006.
gnomAD v4.1: 13 of 1,611,760 alleles (0.00081%); highest among the groups gnomAD compares: East Asian, 0.011%; no homozygotes.

Submission:

Department of Pathology and Laboratory Medicine, Sinai Health System
Classification: Likely benign for Polycystic Kidney disease. Review status: no assertion criteria provided. Collection method: clinical testing. Allele origin: unknown. Affected: yes. Study: The Canadian Open Genetics Repository (COGR).
Comment: The PKD1, p.Ser1863Ser variant was not identified in the literature nor was it identified in the 1000 Genomes and in the NHLBI GO Exome Sequencing Projects. The variant was identified in dbSNP (ID: rs775686229) as â€šÃ„ÃºNAâ€šÃ„Ã¹ and was also identified in the Exome Aggregation Consortium database (March 14, 2016) in 6 of 102474 chromosomes (frequency: 0.00006) from a population of East Asian individuals, although this low number of observations and low frequency is not substantive enough to determine the prevalence of the variant in the general population and its relationship to disease; furthermore, we are not able to rule out that variant data from control databases is specific to PKD1 and not from one of the six PKD1 pseudogenes. In addition, the variant was not identified in the Clinvitae, ClinVar, MutDB, ADPKD Mutation, PKD1-LOVD, and PKD1-LOVD 3.0 databases. The p.Ser1863Ser variant is not expected to have clinical significance because it does not result in a change of amino acid and is not located in a known consensus splice site. In silico or computational prediction software programs (SpliceSiteFinder, MaxEntScan, NNSPLICE, GeneSplicer, HumanSpliceFinder) do not predict a difference in splicing. In summary, based on the above information, the clinical significance of this variant cannot be determined with certainty at this time although we would lean towards a more benign role for this variant. This variant is classified as likely benign